The following is an entry in ClinVar:

ClinVar aggregate classification (germline): Likely pathogenic. Review status: criteria provided, multiple submitters, no conflicts (2 of 4 stars). 2 submissions from 2 submitters: Likely pathogenic (2). Last evaluated 2024-06-12.

Conditions:
GNPTG-mucolipidosis. Also called: ML III GAMMA; ML IIIC; Mucolipidosis type III gamma; MUCOLIPIDOSIS III, COMPLEMENTATION GROUP C; MUCOLIPIDOSIS III, IRANIAN VARIANT FORM; MUCOLIPIDOSIS III, VARIANT FORM. Identifiers: Orphanet 423470, Orphanet 577, MedGen C1854896, MONDO:0009652, OMIM 252605.

Submissions (2):

Fulgent Genetics
Classification: Likely pathogenic for GNPTG-mucolipidosis. Last evaluated: 2024-06-12. Review status: criteria provided, single submitter. Criteria: ACMG Guidelines, 2015. Collection method: clinical testing. Allele origin: germline.

Labcorp Genetics (formerly Invitae), Labcorp
Classification: Likely pathogenic. Last evaluated: 2024-02-14. Review status: criteria provided, single submitter. Criteria: Invitae Variant Classification Sherloc (09022015). Collection method: clinical testing. Allele origin: germline.
Comment: This sequence change affects a donor splice site in intron 7 of the GNPTG gene. It is expected to disrupt RNA splicing. Variants that disrupt the donor or acceptor splice site typically lead to a loss of protein function (PMID: 16199547), and loss-of-function variants in GNPTG are known to be pathogenic (PMID: 19370764, 20301784). This variant is not present in population databases (gnomAD no frequency). This variant has not been reported in the literature in individuals affected with GNPTG-related conditions. Algorithms developed to predict the effect of sequence changes on RNA splicing suggest that this variant may disrupt the consensus splice site. In summary, the currently available evidence indicates that the variant is pathogenic, but additional data are needed to prove that conclusively. Therefore, this variant has been classified as Likely Pathogenic.

Literature cited by the submitters: PubMed 16199547 (cited by Labcorp Genetics (formerly Invitae), Labcorp); PubMed 19370764 (cited by Labcorp Genetics (formerly Invitae), Labcorp); PubMed 20301784 (cited by Labcorp Genetics (formerly Invitae), Labcorp).

NM_032520.5(GNPTG):c.526+2T>G

Gene: GNPTG (N-acetylglucosamine-1-phosphate transferase subunit gamma; plus strand). Cytogenetic location: 16p13.3.
Variant type: single nucleotide variant.
Coding change: c.526+2T>G on transcript NM_032520.5 (MANE Select); the canonical splice donor site of the intron after coding-DNA position 526, T replaced by G.
Molecular consequence: splice donor variant.
Genome position (GRCh38, 1-based): chr16:1,362,322, T>G. VCF-style: chr16-1362322-T-G. GRCh37 (hg19) VCF-style: chr16-1412323-T-G.
Identifiers: ClinVar variation 3578453 (VCV003578453.3).